The following is an entry in ClinVar:

NM_001009944.3(PKD1):c.11526G>A (p.Trp3842Ter)

Genes: PKD1 (polycystin 1, transient receptor potential channel interacting; minus strand), PKD1-AS1 (PKD1 antisense RNA 1; plus strand). Cytogenetic location: 16p13.3.
Variant type: single nucleotide variant.
Coding change: c.11526G>A on transcript NM_001009944.3 (MANE Select); coding-DNA position 11526, G replaced by A.
Protein change: p.Trp3842Ter; replaces tryptophan 3842 with a stop codon.
Molecular consequence: nonsense.
Genome position (GRCh38, 1-based): chr16:2,091,792, C>T on the plus strand (G>A on the coding strand, the complement: PKD1 is on the minus strand). VCF-style: chr16-2091792-C-T. GRCh37 (hg19) VCF-style: chr16-2141793-C-T.
Other names: c.11523G>A, p.Trp3841Ter (NM_000296.4); short protein forms W3841*, W3842*.
Identifiers: ClinVar variation 3213429 (VCV003213429.4), dbSNP rs2544619656, ClinGen allele CA394332457.

ClinVar aggregate classification (germline): Pathogenic/Likely pathogenic. Review status: criteria provided, multiple submitters, no conflicts (2 of 4 stars). 3 submissions from 3 submitters: Pathogenic (2); Likely pathogenic (1). Last evaluated 2026-03-23.

Conditions:
Inborn genetic diseases. Identifiers: MedGen C0950123, MeSH D030342.
Polycystic kidney disease, adult type (PKD1). Also called: Polycystic Kidney Disease 1, Autosomal Dominant; Polycystic kidney disease 1; Polycystic kidney disease 1, severe; Polycystic Kidney, Autosomal Dominant; POLYCYSTIC KIDNEY DISEASE 1 WITH OR WITHOUT POLYCYSTIC LIVER DISEASE; POLYCYSTIC KIDNEY DISEASE, ADULT, TYPE I. Identifiers: MedGen C3149841, MONDO:0008263, OMIM 173900.

Submissions (3):

Women's Health and Genetics/Laboratory Corporation of America, LabCorp
Classification: Pathogenic for Polycystic kidney disease, adult type. Last evaluated: 2026-03-23. Review status: criteria provided, single submitter. Criteria: LabCorp Variant Classification Summary - May 2015. Collection method: clinical testing. Allele origin: germline.
Comment: Variant summary: PKD1 c.11526G>A (p.Trp3842X) results in a premature termination codon, predicted to cause a truncation of the encoded protein or absence of the protein due to nonsense mediated decay, which are commonly known mechanisms for disease. The variant was absent in 235812 control chromosomes. To our knowledge, no occurrence of c.11526G>A in individuals affected with PKD1-related conditions and no experimental evidence demonstrating its impact on protein function have been reported. A different variant with the same amino acid effect (c.11525G>A, p.Trp3842X) has been reported in at least 1 individual with autosomal dominant polycystic kidney disease (PMID: 38481516). ClinVar contains an entry for this variant (Variation ID: 3213429). Based on the evidence outlined above, the variant was classified as pathogenic.

Ambry Genetics
Classification: Pathogenic for Inborn genetic diseases. Last evaluated: 2024-02-14. Review status: criteria provided, single submitter. Criteria: Ambry Variant Classification Scheme 2023. Collection method: clinical testing. Allele origin: germline.
Comment: The c.11523G>A (p.W3841*) alteration, located in exon 41 (coding exon 41) of the PKD1 gene, consists of a G to A substitution at nucleotide position 11523. This changes the amino acid from a tryptophan (W) to a stop codon at amino acid position 3841. This alteration is expected to result in loss of function by premature protein truncation or nonsense-mediated mRNA decay. This variant was not reported in population-based cohorts in the Genome Aggregation Database (gnomAD). Another alteration resulting in the same nonsense variant at this codon, c.11522G>A (p.W3841*), has been detected in individuals with polycystic kidney disease (Rossetti, 2007; Benson, 2021). Based on the available evidence, this alteration is classified as pathogenic.

Genetic Services Laboratory, University of Chicago
Classification: Likely pathogenic. Last evaluated: 2023-06-09. Review status: criteria provided, single submitter. Criteria: ACMG Guidelines, 2015. Collection method: clinical testing. Allele origin: germline. Affected: yes.
Comment: DNA sequence analysis of the PKD1 gene demonstrated a sequence change, c.11526, which results in the creation of a premature stop codon at amino acid position 3842, p.Trp3842* This sequence change is predicted to result in an abnormal transcript, which may be degraded, or may lead to the production of a truncated PKD1 protein with potentially abnormal function. This sequence change has not been described in population databases such as ExAC and gnomAD. While this sequence change has not previously been described in the literature, truncating variants are common in patients with PKD1-associated autosomal dominant polycystic kidney disease. Collectively, this evidence indicates that this sequence change is likely pathogenic, however functional studies have not been performed to prove this conclusively.

Literature cited by the submitters: PubMed 17582161 (cited by Ambry Genetics); PubMed 33454723 (cited by Ambry Genetics).